The following is an entry in ClinVar:

ClinVar aggregate classification (germline): Conflicting classifications of pathogenicity. Review status: criteria provided, conflicting classifications (1 of 4 stars). 7 submissions from 7 submitters: Uncertain significance (5); Likely benign (1). 1 of the submissions does not count toward it. Last evaluated 2025-06-10.

Conditions:
Hereditary cancer-predisposing syndrome. Also called: Hereditary Cancer Syndrome; Neoplastic Syndromes, Hereditary; Hereditary neoplastic syndrome; Tumor predisposition. Identifiers: Orphanet 140162, MedGen C0027672, MeSH D009386, MONDO:0015356.
Breast-ovarian cancer, familial, susceptibility to, 1 (BROVCA1). Also called: BRCA1 Hereditary Breast and Ovarian Cancer; OVARIAN CANCER, SUSCEPTIBILITY TO. Identifiers: Orphanet 145, MedGen C2676676, MONDO:0011450, OMIM 604370. Disease mechanism: loss of function.
Hereditary breast ovarian cancer syndrome. Also called: Hereditary breast and/or ovarian cancer syndrome; Hereditary breast and ovarian cancer syndrome; Hereditary breast and ovarian cancer; Hereditary breast and ovarian cancer syndrome (HBOC); Breast and ovarian cancer; BRCA1- and BRCA2-Associated Hereditary Breast and Ovarian Cancer. Identifiers: Orphanet 145, MedGen C0677776, MeSH D061325, MONDO:0003582. Disease mechanism: loss of function.

Submissions (7):

Labcorp Genetics (formerly Invitae), Labcorp
Classification: Uncertain significance for Hereditary breast ovarian cancer syndrome. Last evaluated: 2025-06-10. Review status: criteria provided, single submitter. Criteria: Invitae Variant Classification Sherloc (09022015). Collection method: clinical testing. Allele origin: germline.
Comment: This sequence change replaces cysteine, which is neutral and slightly polar, with tyrosine, which is neutral and polar, at codon 1146 of the BRCA1 protein (p.Cys1146Tyr). This variant is not present in population databases (gnomAD no frequency). This variant has not been reported in the literature in individuals affected with BRCA1-related conditions. ClinVar contains an entry for this variant (Variation ID: 96913). Invitae Evidence Modeling of protein sequence and biophysical properties (such as structural, functional, and spatial information, amino acid conservation, physicochemical variation, residue mobility, and thermodynamic stability) indicates that this missense variant is expected to disrupt BRCA1 protein function with a positive predictive value of 80%. In summary, the available evidence is currently insufficient to determine the role of this variant in disease. Therefore, it has been classified as a Variant of Uncertain Significance.

Color Diagnostics, LLC DBA Color Health
Classification: Uncertain significance for Hereditary cancer-predisposing syndrome. Last evaluated: 2024-05-13. Review status: criteria provided, single submitter. Criteria: ACMG Guidelines, 2015. Collection method: clinical testing. Allele origin: germline.
Comment: This missense variant replaces cysteine with tyrosine at codon 1146 of the BRCA1 protein. Computational prediction is inconclusive regarding the impact of this variant on protein structure and function. To our knowledge, functional studies have not been reported for this variant. This variant has not been reported in individuals affected with BRCA1-related disorders in the literature. This variant has not been identified in the general population by the Genome Aggregation Database (gnomAD). The available evidence is insufficient to determine the role of this variant in disease conclusively. Therefore, this variant is classified as a Variant of Uncertain Significance.

Ambry Genetics
Classification: Uncertain significance for Hereditary cancer-predisposing syndrome. Last evaluated: 2024-04-27. Review status: criteria provided, single submitter. Criteria: Ambry Variant Classification Scheme 2023. Collection method: clinical testing. Allele origin: germline.
Comment: The p.C1146Y variant (also known as c.3437G>A), located in coding exon 9 of the BRCA1 gene, results from a G to A substitution at nucleotide position 3437. The cysteine at codon 1146 is replaced by tyrosine, an amino acid with highly dissimilar properties. This amino acid position is not well conserved in available vertebrate species. In addition, the in silico prediction for this alteration is inconclusive. Since supporting evidence is limited at this time, the clinical significance of this alteration remains unclear.

All of Us Research Program, National Institutes of Health
Classification: Uncertain significance for Breast-ovarian cancer, familial, susceptibility to, 1. Last evaluated: 2023-04-27. Review status: criteria provided, single submitter. Criteria: ACMG Guidelines, 2015. Collection method: clinical testing. Allele origin: germline. Inheritance: Autosomal dominant inheritance. Observed: 1 variant allele, 1 heterozygote.
Comment: This study involves interpretation of variants in research participants for the purpose of population health screening. Participant phenotype was not available at the time of variant classification. Additional details can be found in publication PMID: 35346344, PMCID: PMC8962531

University of Washington Department of Laboratory Medicine, University of Washington
Classification: Likely benign for Hereditary cancer-predisposing syndrome. Last evaluated: 2023-03-23. Review status: criteria provided, single submitter. Criteria: Dines et al. (Genet Med. 2020). Collection method: curation. Allele origin: germline.
Comment: Missense variant in a coldspot region where missense variants are very unlikely to be pathogenic (PMID:31911673).

BRCA1 coldspot (exon 11 using historical exon numbering). Reclassification based on statistical prior probability

Quest Diagnostics Nichols Institute San Juan Capistrano
Classification: Uncertain significance. Last evaluated: 2018-11-20. Review status: criteria provided, single submitter. Criteria: Quest Diagnostics criteria. Collection method: clinical testing. Allele origin: germline.

Sharing Clinical Reports Project (SCRP)
Classification: Uncertain significance for Breast-ovarian cancer, familial 1. Last evaluated: 2012-12-26. Review status: no assertion criteria provided. Collection method: clinical testing. Allele origin: germline. Not counted in ClinVar's aggregate classification.

NM_007294.4(BRCA1):c.3437G>A (p.Cys1146Tyr)

Genes: BRCA1 (BRCA1 DNA repair associated; minus strand), LOC126862571 (BRD4-independent group 4 enhancer GRCh37_chr17:41243136-41244335; plus strand). Cytogenetic location: 17q21.31.
Variant type: single nucleotide variant.
Coding change: c.3437G>A on transcript NM_007294.4 (MANE Select); coding-DNA position 3437, G replaced by A.
Protein change: p.Cys1146Tyr; replaces cysteine 1146 with tyrosine.
Molecular consequence: missense variant. On other transcripts: intron variant (135).
Genome position (GRCh38, 1-based): chr17:43,092,094, C>T on the plus strand (G>A on the coding strand, the complement: BRCA1 is on the minus strand). VCF-style: chr17-43092094-C-T. GRCh37 (hg19) VCF-style: chr17-41244111-C-T.
Other names: 3556G>A; c.785-1062G>A (NM_001408392.1, NM_001407986.1, NM_001407972.1 and 13 more transcripts); c.665-1062G>A (NM_001408441.1, NM_001408437.1, NM_001408429.1 and 12 more transcripts); c.788-1062G>A (NM_001407979.1, NM_001407977.1, NM_001407982.1 and 17 more transcripts); c.647-1062G>A (NM_001408410.1, NM_001408458.1, NM_001408469.1 and 11 more transcripts); c.710-1062G>A (NM_001408415.1, NM_001408412.1, NM_001408409.1 and 2 more transcripts); c.578-1062G>A (NM_001408483.1, NM_001408481.1, NM_001408480.1 and 9 more transcripts); c.3437G>A, p.Cys1146Tyr (NM_001407596.1, NM_001407597.1, NM_001407598.1 and 30 more transcripts); and 42 more; short protein forms C1146Y, C1099Y, C1018Y, C1034Y, C1035Y, C1057Y, C1058Y, C1098Y.
Identifiers: ClinVar variation 96913 (VCV000096913.27), dbSNP rs80357247, ClinGen allele CA002225.